The following is an entry in ClinVar:

ClinVar aggregate classification (germline): Uncertain significance. Review status: criteria provided, multiple submitters, no conflicts (2 of 4 stars). 2 submissions from 2 submitters: Uncertain significance (2). Last evaluated 2023-03-17.

Conditions:
Inborn genetic diseases. Identifiers: MedGen C0950123, MeSH D030342.
Vici syndrome (VICIS). Identifiers: Orphanet 1493, MedGen C1855772, MONDO:0009452, OMIM 242840.

Allele frequency attached by ClinVar (database versions not stated): gnomAD exomes below 0.00001; ExAC 0.00001; gnomAD 0.00001 and 0.00002; TOPMed 0.00002; ESP Exome Variant Server 0.00008.
gnomAD v4.1: 10 of 1,614,066 alleles (0.00062%); highest among the groups gnomAD compares: Non-Finnish European, 0.00085%; no homozygotes.

Submissions (2):

Ambry Genetics
Classification: Uncertain significance for Inborn genetic diseases. Last evaluated: 2023-03-17. Review status: criteria provided, single submitter. Criteria: Ambry Variant Classification Scheme 2023. Collection method: clinical testing. Allele origin: germline.

Labcorp Genetics (formerly Invitae), Labcorp
Classification: Uncertain significance for Vici syndrome. Last evaluated: 2021-09-01. Review status: criteria provided, single submitter. Criteria: Invitae Variant Classification Sherloc (09022015). Collection method: clinical testing. Allele origin: germline.
Comment: This sequence change replaces glutamine with glutamic acid at codon 2496 of the EPG5 protein (p.Gln2496Glu). The glutamine residue is moderately conserved and there is a small physicochemical difference between glutamine and glutamic acid. This variant is present in population databases (rs370315826, ExAC 0.002%). This variant has not been reported in the literature in individuals affected with EPG5-related conditions. Algorithms developed to predict the effect of missense changes on protein structure and function are either unavailable or do not agree on the potential impact of this missense change (SIFT: "Tolerated"; PolyPhen-2: "Possibly Damaging"; Align-GVGD: "Class C0"). In summary, the available evidence is currently insufficient to determine the role of this variant in disease. Therefore, it has been classified as a Variant of Uncertain Significance.

NM_020964.3(EPG5):c.7486C>G (p.Gln2496Glu)

Gene: EPG5 (ectopic P-granules 5 autophagy tethering factor; minus strand). Cytogenetic location: 18q12.3.
Variant type: single nucleotide variant.
Coding change: c.7486C>G on transcript NM_020964.3 (MANE Select); coding-DNA position 7486, C replaced by G.
Protein change: p.Gln2496Glu; replaces glutamine 2496 with glutamic acid.
Molecular consequence: missense variant.
Genome position (GRCh38, 1-based): chr18:45,855,644, G>C on the plus strand (C>G on the coding strand, the complement: EPG5 is on the minus strand). VCF-style: chr18-45855644-G-C. GRCh37 (hg19) VCF-style: chr18-43435609-G-C.
Other names: short protein forms Q2496E.
Identifiers: ClinVar variation 967036 (VCV000967036.9), dbSNP rs370315826, ClinGen allele CA8947979.
Genomic context (GRCh38, chr18:45,855,644, plus strand): 5'-TGGGGGTCAGATGTAATTCAGAGCCAGGCCTCAAACGGATCTGATCTTCCATAGGAACCT[G>C]AACTGAAAGGAAGGCAGCCATGCTTCGGGCAACCACTCGGAACCTTAGGCATTAGGGAGA-3'
Protein context (NP_066015.2, residues 2486-2506): ARSMAAFLSV[Gln2496Glu]VPMEDQIRLR